The following is an entry in ClinVar:

ClinVar aggregate classification (germline): Uncertain significance (1 of 4 stars; one submission).

Conditions:
Cystic fibrosis (CF). Also called: MUCOVISCIDOSIS. Identifiers: Orphanet 586, MedGen C0010674, MONDO:0009061, OMIM 219700. Disease mechanism: loss of function.

Allele frequency attached by ClinVar (database versions not stated): ExAC 0.00001.
gnomAD v4.1: 4 of 1,613,594 alleles (0.00025%); highest among the groups gnomAD compares: East Asian, 0.0089%; no homozygotes.

Submission:

Ambry Genetics
Classification: Uncertain significance for Cystic fibrosis. Last evaluated: 2021-09-01. Review status: criteria provided, single submitter. Criteria: Ambry Variant Classification Scheme 2023. Collection method: clinical testing. Allele origin: germline.
Comment: The p.V1272G variant (also known as c.3815T>G), located in coding exon 23 of the CFTR gene, results from a T to G substitution at nucleotide position 3815. The valine at codon 1272 is replaced by glycine, an amino acid with dissimilar properties. This amino acid position is conserved. In addition, this alteration is predicted to be deleterious by in silico analysis. Since supporting evidence is limited at this time, the clinical significance of this alteration remains unclear.

NM_000492.4(CFTR):c.3815T>G (p.Val1272Gly)

Genes: CFTR (CF transmembrane conductance regulator; plus strand), CFTR-AS2 (CFTR antisense RNA 2; minus strand). Cytogenetic location: 7q31.2.
Variant type: single nucleotide variant.
Coding change: c.3815T>G on transcript NM_000492.4 (MANE Select); coding-DNA position 3815, T replaced by G.
Protein change: p.Val1272Gly; replaces valine 1272 with glycine.
Molecular consequence: missense variant.
Genome position (GRCh38, 1-based): chr7:117,642,535, T>G. VCF-style: chr7-117642535-T-G. GRCh37 (hg19) VCF-style: chr7-117282589-T-G.
Other names: short protein forms V1272G.
Identifiers: ClinVar variation 1735197 (VCV001735197.2), dbSNP rs752834717, ClinGen allele CA4451552.